The following is an entry in ClinVar:

NM_000435.3(NOTCH3):c.2984del (p.Pro995fs)

Gene: NOTCH3 (notch receptor 3; minus strand). Cytogenetic location: 19p13.12.
Variant type: Deletion.
Coding change: c.2984del on transcript NM_000435.3 (MANE Select); coding-DNA position 2984, one base deleted (C; older notation c.2984delC).
Protein change: p.Pro995fs; shifts the reading frame from proline 995.
Molecular consequence: frameshift variant.
Genome position (GRCh38, 1-based): chr19:15,180,971, G deleted on the plus strand (C on the coding strand, the reverse complement: NOTCH3 is on the minus strand); the first of 3 consecutive G bases (chr19:15,180,971-15,180,973); deleting any one gives the same sequence. VCF-style (leftmost placement, unchanged base first): chr19-15180970-CG-C. GRCh37 (hg19) VCF-style: chr19-15291781-CG-C.
Other names: short protein forms P995fs.
Identifiers: ClinVar variation 3571805 (VCV003571805.1).

ClinVar aggregate classification (germline): Uncertain significance (1 of 4 stars; one submission).

Submission:

Athena Diagnostics
Classification: Uncertain significance. Last evaluated: 2023-12-21. Review status: criteria provided, single submitter. Criteria: Athena Diagnostics Criteria. Collection method: clinical testing. Allele origin: unknown.
Comment: Available data are insufficient to determine the clinical significance of the variant at this time. The frequency of this variant in the general population is uninformative in assessment of its pathogenicity. This variant is predicted to result in a premature termination codon and the loss of a functional protein. However, research supports that pathogenic variants causing CADASIL do so by a toxic gain of function mechanism and the clinical relevance of loss of function (LOF) variants in this gene is under debate in the literature (PMID: 24000151, 25260852, 25870235). Internal data suggests that loss of function variants are more likely pathogenic than benign, but further studies are needed to understand their effect on NOTCH3 signaling. Greater than 90% of NOTCH3 pathogenic variants associated with CADASIL involve the gain or loss of a cysteine residue within the epidermal growth factor (EGF)-like repeat domain (PMID: 32457593, 20301673).